The following is an entry in ClinVar:

NM_000535.7(PMS2):c.353G>C (p.Ser118Thr)

Gene: PMS2 (PMS1 homolog 2, mismatch repair system component; minus strand). Cytogenetic location: 7p22.1.
Variant type: single nucleotide variant.
Coding change: c.353G>C on transcript NM_000535.7 (MANE Select); coding-DNA position 353, G replaced by C.
Protein change: p.Ser118Thr; replaces serine 118 with threonine.
Molecular consequence: missense variant. On other transcripts: 5 prime UTR variant (24), non-coding transcript variant (1), intron variant (22).
Genome position (GRCh38, 1-based): chr7:6,003,690, C>G on the plus strand (G>C on the coding strand, the complement: PMS2 is on the minus strand). VCF-style: chr7-6003690-C-G. GRCh37 (hg19) VCF-style: chr7-6043321-C-G.
Other names: c.-53G>C (NM_001018040.1, NM_001322003.2, NM_001322004.2 and 14 more transcripts); c.353G>C, p.Ser118Thr (NM_001322006.2, NM_001322014.2, NM_001406869.1 and 8 more transcripts); c.-532G>C (NM_001322011.2, NM_001322012.2); c.-132G>C (NM_001322015.2, NM_001406875.1, NM_001406877.1 and 3 more transcripts); c.539G>C, p.Ser180Thr (NM_001406866.1); c.377G>C, p.Ser126Thr (NM_001406868.1); c.35+282G>C (NM_001322008.2, NM_001406902.1, NM_001406883.1 and 4 more transcripts); c.-132+282G>C (NM_001406881.1, NM_001406900.1); and 5 more; short protein forms S118T, S180T, S126T.
Identifiers: ClinVar variation 2868027 (VCV002868027.5), dbSNP rs1394474494, ClinGen allele CA366744523.

ClinVar aggregate classification (germline): Likely pathogenic. Review status: criteria provided, multiple submitters, no conflicts (2 of 4 stars). 3 submissions from 3 submitters: Likely pathogenic (3). Last evaluated 2025-10-23.

Conditions:
Lynch syndrome 4 (LYNCH4). Also called: Colorectal cancer, hereditary nonpolyposis, type 4; Hereditary non-polyposis colorectal cancer, type 4. Identifiers: Orphanet 144, MedGen C1838333, MONDO:0013699, OMIM 614337. Disease mechanism: loss of function.
Hereditary nonpolyposis colorectal neoplasms. Identifiers: MedGen C0009405, MeSH D003123.
Hereditary cancer-predisposing syndrome. Also called: Neoplastic Syndromes, Hereditary; Hereditary Cancer Syndrome; Hereditary neoplastic syndrome; Tumor predisposition. Identifiers: Orphanet 140162, MedGen C0027672, MeSH D009386, MONDO:0015356.

Submissions (3):

Ambry Genetics
Classification: Likely pathogenic for Hereditary cancer-predisposing syndrome. Last evaluated: 2025-10-23. Review status: criteria provided, single submitter. Criteria: Ambry Variant Classification Scheme 2023. Collection method: clinical testing. Allele origin: germline.
Comment: The c.353G>C variant (also known as p.S118T), located in coding exon 4 of the PMS2 gene, results from a G to C substitution at nucleotide position 353. The amino acid change results in serine to threonine at codon 118, an amino acid with similar properties. However, this change occurs in the last base pair of coding exon 4, which makes it likely to have some effect on normal mRNA splicing. Other variant(s) impacting the same donor site (c.353G>A) have been shown to have a similar impact on splicing in individual(s) with features consistent with Lynch syndrome (Wang Q et al. J Med Genet, 2020 07;57:487-499; Ambry internal data).This nucleotide position is highly conserved in available vertebrate species. In silico splice site analysis predicts that this alteration will weaken the native splice donor site. RNA studies have demonstrated that this alteration results in abnormal splicing in the set of samples tested (Ambry internal data). Based on the majority of available evidence to date, this variant is likely to be pathogenic.

Myriad Genetics, Inc.
Classification: Likely pathogenic for Lynch syndrome 4. Last evaluated: 2025-08-06. Review status: criteria provided, single submitter. Criteria: Myriad Autosomal Dominant, Autosomal Recessive and X-Linked Classification Criteria (2023). Collection method: clinical testing. Allele origin: unknown.
Comment: This variant is considered likely pathogenic. mRNA analysis has demonstrated abnormal mRNA splicing occurs [Myriad internal data].

Labcorp Genetics (formerly Invitae), Labcorp
Classification: Likely pathogenic for Hereditary nonpolyposis colorectal neoplasms. Last evaluated: 2023-02-15. Review status: criteria provided, single submitter. Criteria: Invitae Variant Classification Sherloc (09022015). Collection method: clinical testing. Allele origin: germline.
Comment: An algorithm developed to predict the effect of missense changes on protein structure and function (PolyPhen-2) suggests that this variant is likely to be disruptive. This sequence change replaces serine, which is neutral and polar, with threonine, which is neutral and polar, at codon 118 of the PMS2 protein (p.Ser118Thr). RNA analysis indicates that this missense change induces altered splicing and may result in an absent or disrupted protein product. This variant is not present in population databases (gnomAD no frequency). This variant has not been reported in the literature in individuals affected with PMS2-related conditions. Variants that disrupt the consensus splice site are a relatively common cause of aberrant splicing (PMID: 17576681, 9536098). Studies have shown that this missense change results in skipping of exon 4 and activation of a cryptic splice site and introduces a premature termination codon (Invitae). The resulting mRNA is expected to undergo nonsense-mediated decay. In summary, the currently available evidence indicates that the variant is pathogenic, but additional data are needed to prove that conclusively. Therefore, this variant has been classified as Likely Pathogenic.

Literature cited by the submitters: PubMed 17576681 (cited by Labcorp Genetics (formerly Invitae), Labcorp); PubMed 9536098 (cited by Labcorp Genetics (formerly Invitae), Labcorp).